The following is an entry in ClinVar:

NM_003737.4(DCHS1):c.4061T>C (p.Val1354Ala)

Gene: DCHS1 (dachsous cadherin-related 1; minus strand). Cytogenetic location: 11p15.4.
Variant type: single nucleotide variant.
Coding change: c.4061T>C on transcript NM_003737.4 (MANE Select); coding-DNA position 4061, T replaced by C.
Protein change: p.Val1354Ala; replaces valine 1354 with alanine.
Molecular consequence: missense variant.
Genome position (GRCh38, 1-based): chr11:6,630,733, A>G on the plus strand (T>C on the coding strand, the complement: DCHS1 is on the minus strand). VCF-style: chr11-6630733-A-G. GRCh37 (hg19) VCF-style: chr11-6651964-A-G.
Other names: short protein forms V1354A.
Identifiers: ClinVar variation 4768957 (VCV004768957.1).

ClinVar aggregate classification (germline): Uncertain significance (1 of 4 stars; one submission).

gnomAD v4.1: 1 of 1,544,394 alleles (0.000065%); highest among the groups gnomAD compares: Non-Finnish European, 0.000087%; no homozygotes.

Submission:

Labcorp Genetics (formerly Invitae), Labcorp
Classification: Uncertain significance. Last evaluated: 2025-03-24. Review status: criteria provided, single submitter. Criteria: Invitae Variant Classification Sherloc (09022015). Collection method: clinical testing. Allele origin: germline.
Comment: This sequence change replaces valine, which is neutral and non-polar, with alanine, which is neutral and non-polar, at codon 1354 of the DCHS1 protein (p.Val1354Ala). This variant is not present in population databases (gnomAD no frequency). This variant has not been reported in the literature in individuals affected with DCHS1-related conditions. Invitae Evidence Modeling of protein sequence and biophysical properties (such as structural, functional, and spatial information, amino acid conservation, physicochemical variation, residue mobility, and thermodynamic stability) indicates that this missense variant is not expected to disrupt DCHS1 protein function with a negative predictive value of 80%. In summary, the available evidence is currently insufficient to determine the role of this variant in disease. Therefore, it has been classified as a Variant of Uncertain Significance.